The following is an entry in ClinVar:

ClinVar aggregate classification (germline): Uncertain significance (1 of 4 stars; one submission).

Submission:

Labcorp Genetics (formerly Invitae), Labcorp
Classification: Uncertain significance. Last evaluated: 2025-10-23. Review status: criteria provided, single submitter. Criteria: Invitae Variant Classification Sherloc (09022015). Collection method: clinical testing. Allele origin: germline.
Comment: This sequence change replaces glycine, which is neutral and non-polar, with arginine, which is basic and polar, at codon 3894 of the DNAH9 protein (p.Gly3894Arg). This variant is not present in population databases (gnomAD no frequency). This variant has not been reported in the literature in individuals affected with DNAH9-related conditions. Invitae Evidence Modeling of protein sequence and biophysical properties (such as structural, functional, and spatial information, amino acid conservation, physicochemical variation, residue mobility, and thermodynamic stability) indicates that this missense variant is not expected to disrupt DNAH9 protein function with a negative predictive value of 80%. In summary, the available evidence is currently insufficient to determine the role of this variant in disease. Therefore, it has been classified as a Variant of Uncertain Significance.

NM_001372.4(DNAH9):c.11680G>A (p.Gly3894Arg)

Gene: DNAH9 (dynein axonemal heavy chain 9; plus strand). Cytogenetic location: 17p12.
Variant type: single nucleotide variant.
Coding change: c.11680G>A on transcript NM_001372.4 (MANE Select); coding-DNA position 11680, G replaced by A.
Protein change: p.Gly3894Arg; replaces glycine 3894 with arginine.
Molecular consequence: missense variant.
Genome position (GRCh38, 1-based): chr17:11,905,740, G>A. VCF-style: chr17-11905740-G-A. GRCh37 (hg19) VCF-style: chr17-11809057-G-A.
Other names: c.616G>A, p.Gly206Arg (NM_004662.2); short protein forms G206R, G3894R.
Identifiers: ClinVar variation 4741313 (VCV004741313.1).